The following is an entry in ClinVar:

ClinVar aggregate classification (germline): Likely benign. Review status: criteria provided, multiple submitters, no conflicts (2 of 4 stars). 3 submissions from 3 submitters: Likely benign (3). Last evaluated 2025-11-01.

Allele frequency attached by ClinVar (database versions not stated): gnomAD 0.00064 and 0.00066; TOPMed 0.00066; ExAC 0.00073; ESP Exome Variant Server 0.00085; gnomAD exomes 0.00088.

Submissions (3):

CeGaT Center for Human Genetics Tuebingen
Classification: Likely benign. Last evaluated: 2025-11-01. Review status: criteria provided, single submitter. Criteria: CeGaT Center For Human Genetics Tuebingen Variant Classification Criteria Version 2. Collection method: clinical testing. Allele origin: germline. Affected: yes. Observed: 3 variant alleles.
Comment: WDR81: BP4, BP7

Blueprint Genetics
Classification: Likely benign. Last evaluated: 2024-11-21. Review status: criteria provided, single submitter. Criteria: ACMG Guidelines, 2015. Collection method: clinical testing. Allele origin: germline.

Labcorp Genetics (formerly Invitae), Labcorp
Classification: Likely benign. Last evaluated: 2019-12-31. Review status: criteria provided, single submitter. Criteria: Invitae Variant Classification Sherloc (09022015). Collection method: clinical testing. Allele origin: germline.

NM_001163809.2(WDR81):c.4869C>T (p.Tyr1623=)

Gene: WDR81 (WD repeat domain 81; plus strand). Cytogenetic location: 17p13.3.
Variant type: single nucleotide variant.
Coding change: c.4869C>T on transcript NM_001163809.2 (MANE Select); coding-DNA position 4869, C replaced by T.
Protein change: p.Tyr1623=; no amino-acid change (tyrosine 1623 retained).
Molecular consequence: synonymous variant.
Genome position (GRCh38, 1-based): chr17:1,733,906, C>T. VCF-style: chr17-1733906-C-T. GRCh37 (hg19) VCF-style: chr17-1637200-C-T.
Other names: c.1260C>T, p.Tyr420= (NM_001163673.2); c.1188C>T, p.Tyr396= (NM_001163811.2); c.1716C>T, p.Tyr572= (NM_152348.4).
Identifiers: ClinVar variation 723263 (VCV000723263.29), dbSNP rs147219407, ClinGen allele CA8273695.